The following is an entry in ClinVar:

NM_001358235.2(DCHS2):c.5405G>A (p.Arg1802Gln)

Gene: DCHS2 (dachsous cadherin-related 2; minus strand). Cytogenetic location: 4q31.3.
Variant type: single nucleotide variant.
Coding change: c.5405G>A on transcript NM_001358235.2 (MANE Select); coding-DNA position 5405, G replaced by A.
Protein change: p.Arg1802Gln; replaces arginine 1802 with glutamine.
Molecular consequence: missense variant.
Genome position (GRCh38, 1-based): chr4:154,304,869, C>T on the plus strand (G>A on the coding strand, the complement: DCHS2 is on the minus strand). VCF-style: chr4-154304869-C-T. GRCh37 (hg19) VCF-style: chr4-155226021-C-T.
Other names: short protein forms R1802Q.
Identifiers: ClinVar variation 3035164 (VCV003035164.2), dbSNP rs28622098, ClinGen allele CA3112653.

ClinVar aggregate classification (germline): Benign (0 of 4 stars; one submission).

Conditions:
DCHS2-related disorder. Also called: DCHS2-related condition.

Allele frequency attached by ClinVar (database versions not stated): gnomAD exomes 0.00023; ExAC 0.00073; 1000 Genomes Project 30x 0.00187; 1000 Genomes Project 0.00200; gnomAD 0.00215; ESP Exome Variant Server 0.00223; TOPMed 0.00276.
gnomAD v4.1: 672 of 1,608,874 alleles (0.042%); highest among the groups gnomAD compares: African/African-American, 0.75%; no homozygotes.

Submission:

PreventionGenetics, part of Exact Sciences
Classification: Benign for DCHS2-related condition. Last evaluated: 2019-08-06. Review status: no assertion criteria provided. Collection method: clinical testing. Allele origin: germline.
Comment: This variant is classified as benign based on ACMG/AMP sequence variant interpretation guidelines (Richards et al. 2015 PMID: 25741868, with internal and published modifications).